The following is an entry in ClinVar:

NM_001379500.1(COL18A1):c.2694G>A (p.Pro898=)

Genes: SLC19A1 (solute carrier family 19 member 1; minus strand), COL18A1 (collagen type XVIII alpha 1 chain; plus strand). Cytogenetic location: 21q22.3.
Variant type: single nucleotide variant.
Coding change: c.2694G>A on transcript NM_001379500.1 (MANE Select); coding-DNA position 2694, G replaced by A.
Protein change: p.Pro898=; no amino-acid change (proline 898 retained).
Molecular consequence: synonymous variant.
Genome position (GRCh38, 1-based): chr21:45,504,021, G>A. VCF-style: chr21-45504021-G-A. GRCh37 (hg19) VCF-style: chr21-46923935-G-A.
Other names: NM_130445.2:c.2694G>A; c.3234G>A, p.Pro1078= (NM_030582.4); c.3939G>A, p.Pro1313= (NM_130444.3).
Identifiers: ClinVar variation 340255 (VCV000340255.14), dbSNP rs190374248, ClinGen allele CA10067396.

ClinVar aggregate classification (germline): Benign/Likely benign. Review status: criteria provided, multiple submitters, no conflicts (2 of 4 stars). 3 submissions from 3 submitters: Benign (1); Likely benign (2). Last evaluated 2026-02-02.

Conditions:
Knobloch syndrome (KNO). Also called: RETINAL DETACHMENT AND OCCIPITAL ENCEPHALOCELE; Myopia retinal detachment encephalocele. Identifiers: Orphanet 1571, MedGen C1849409, MONDO:0800166.

Allele frequency attached by ClinVar (database versions not stated): ESP Exome Variant Server 0.00008; gnomAD exomes 0.00020 and 0.00078; gnomAD 0.00025 and 0.00032; TOPMed 0.00047; ExAC 0.00079; 1000 Genomes Project 0.00120; 1000 Genomes Project 30x 0.00141.
gnomAD v4.1: 342 of 1,613,616 alleles (0.021%); highest among the groups gnomAD compares: East Asian, 0.58%; 1 homozygote.

Submissions (3):

Labcorp Genetics (formerly Invitae), Labcorp
Classification: Benign. Last evaluated: 2026-02-02. Review status: criteria provided, single submitter. Criteria: Invitae Variant Classification Sherloc (09022015). Collection method: clinical testing. Allele origin: germline.

Blueprint Genetics
Classification: Likely benign. Last evaluated: 2024-08-23. Review status: criteria provided, single submitter. Criteria: ACMG Guidelines, 2015. Collection method: clinical testing. Allele origin: germline.

Illumina Laboratory Services, Illumina
Classification: Likely benign for Knobloch syndrome 1. Last evaluated: 2018-01-13. Review status: criteria provided, single submitter. Criteria: ICSL Variant Classification Criteria 13 December 2019. Collection method: clinical testing. Allele origin: germline.
Comment: This variant was observed in the ICSL laboratory as part of a predisposition screen in an ostensibly healthy population. It had not been previously curated by ICSL or reported in the Human Gene Mutation Database (HGMD: prior to June 1st, 2018), and was therefore a candidate for classification through an automated scoring system. Utilizing variant allele frequency, disease prevalence and penetrance estimates, and inheritance mode, an automated score was calculated to assess if this variant is too frequent to cause the disease. Based on the score and internal cut-off values, a variant classified as likely benign is not then subjected to further curation. The score for this variant resulted in a classification of likely benign for this disease.